The following is an entry in ClinVar:

NM_001042492.3(NF1):c.4872A>G (p.Ile1624Met)

Gene: NF1 (neurofibromin 1; plus strand). Cytogenetic location: 17q11.2.
Variant type: single nucleotide variant.
Coding change: c.4872A>G on transcript NM_001042492.3 (MANE Select); coding-DNA position 4872, A replaced by G.
Protein change: p.Ile1624Met; replaces isoleucine 1624 with methionine.
Molecular consequence: missense variant.
Genome position (GRCh38, 1-based): chr17:31,325,856, A>G. VCF-style: chr17-31325856-A-G. GRCh37 (hg19) VCF-style: chr17-29652874-A-G.
Other names: c.4809A>G, p.Ile1603Met (NM_000267.4); short protein forms I1603M, I1624M.
Identifiers: ClinVar variation 2116376 (VCV002116376.5), dbSNP rs2151537601, ClinGen allele CA399007001.

ClinVar aggregate classification (germline): Uncertain significance. Review status: criteria provided, multiple submitters, no conflicts (2 of 4 stars). 2 submissions from 2 submitters: Uncertain significance (2). Last evaluated 2024-06-04.

Conditions:
Cardiovascular phenotype. Identifiers: MedGen CN230736.
Hereditary cancer-predisposing syndrome. Also called: Tumor predisposition; Hereditary Cancer Syndrome; Neoplastic Syndromes, Hereditary; Hereditary neoplastic syndrome. Identifiers: Orphanet 140162, MedGen C0027672, MeSH D009386, MONDO:0015356.
Neurofibromatosis, type 1 (NF1). Also called: NEUROFIBROMATOSIS, TYPE I, SOMATIC; Neurofibromatosis, type I; Peripheral type neurofibromatosis; VON RECKLINGHAUSEN DISEASE. Identifiers: Orphanet 636, MedGen C0027831, MONDO:0018975, OMIM 162200. Disease mechanism: loss of function.

Submissions (2):

Labcorp Genetics (formerly Invitae), Labcorp
Classification: Uncertain significance for Neurofibromatosis, type 1. Last evaluated: 2024-06-04. Review status: criteria provided, single submitter. Criteria: Invitae Variant Classification Sherloc (09022015). Collection method: clinical testing. Allele origin: germline.
Comment: This sequence change replaces isoleucine, which is neutral and non-polar, with methionine, which is neutral and non-polar, at codon 1603 of the NF1 protein (p.Ile1603Met). This variant is not present in population databases (gnomAD no frequency). This variant has not been reported in the literature in individuals affected with NF1-related conditions. ClinVar contains an entry for this variant (Variation ID: 2116376). Advanced modeling of protein sequence and biophysical properties (such as structural, functional, and spatial information, amino acid conservation, physicochemical variation, residue mobility, and thermodynamic stability) has been performed at Invitae for this missense variant, however the output from this modeling did not meet the statistical confidence thresholds required to predict the impact of this variant on NF1 protein function. In summary, the available evidence is currently insufficient to determine the role of this variant in disease. Therefore, it has been classified as a Variant of Uncertain Significance.

Ambry Genetics
Classification: Uncertain significance for Cardiovascular phenotype; Hereditary cancer-predisposing syndrome. Last evaluated: 2023-12-14. Review status: criteria provided, single submitter. Criteria: Ambry Variant Classification Scheme 2023. Collection method: clinical testing. Allele origin: germline.
Comment: The p.I1603M variant (also known as c.4809A>G), located in coding exon 36 of the NF1 gene, results from an A to G substitution at nucleotide position 4809. The isoleucine at codon 1603 is replaced by methionine, an amino acid with highly similar properties. This amino acid position is conserved. In addition, the in silico prediction for this alteration is inconclusive. Since supporting evidence is limited at this time, the clinical significance of this alteration remains unclear.